The following is an entry in ClinVar:

NM_007294.4(BRCA1):c.3844G>T (p.Glu1282Ter)

Genes: BRCA1 (BRCA1 DNA repair associated; minus strand), LOC126862571 (BRD4-independent group 4 enhancer GRCh37_chr17:41243136-41244335; plus strand). Cytogenetic location: 17q21.31.
Variant type: single nucleotide variant.
Coding change: c.3844G>T on transcript NM_007294.4 (MANE Select); coding-DNA position 3844, G replaced by T.
Protein change: p.Glu1282Ter; replaces glutamic acid 1282 with a stop codon.
Molecular consequence: nonsense. On other transcripts: intron variant (135).
Genome position (GRCh38, 1-based): chr17:43,091,687, C>A on the plus strand (G>T on the coding strand, the complement: BRCA1 is on the minus strand). VCF-style: chr17-43091687-C-A. GRCh37 (hg19) VCF-style: chr17-41243704-C-A.
Other names: c.3721G>T, p.Glu1241Ter (NM_001407938.1, NM_001407939.1, NM_001407648.1 and 19 more transcripts); c.3718G>T, p.Glu1240Ter (NM_001407940.1, NM_001407941.1, NM_001407649.1 and 11 more transcripts); c.3703G>T, p.Glu1235Ter (NM_001407942.1, NM_001407944.1, NM_001407945.1 and 29 more transcripts); c.3700G>T, p.Glu1234Ter (NM_001407943.1, NM_001407964.1, NM_001407740.1 and 20 more transcripts); c.3511G>T, p.Glu1171Ter (NM_001407946.1, NM_001407947.1, NM_001407948.1 and 6 more transcripts); c.3508G>T, p.Glu1170Ter (NM_001407954.1, NM_001407955.1, NM_001407956.1 and 1 more transcripts); c.3463G>T, p.Glu1155Ter (NM_001407959.1, NM_001407960.1, NM_001407963.1); c.3460G>T, p.Glu1154Ter (NM_001407962.1); and 41 more; short protein forms E1170*, E1171*, E1215*, E1241*, E1279*, E1155*, E1212*, E1235*.
Identifiers: ClinVar variation 1735457 (VCV001735457.3), dbSNP rs2154281717, ClinGen allele CA10594277.
Genomic context (GRCh38, chr17:43,091,687, plus strand): 5'-CACTGCACTGTGAAGAAAACAAGCTAGCAGAACATTTTGTTTCCTCACTAAGGTGATGTT[C>A]CTGAGATGCCTTTGCCAATATTACCTGGTTACTGCAGTCATTTAAGCTATTCTTCAATGA-3'

ClinVar aggregate classification (germline): Pathogenic. Review status: criteria provided, multiple submitters, no conflicts (2 of 4 stars). 2 submissions from 2 submitters: Pathogenic (2). Last evaluated 2024-05-27.

Conditions:
Hereditary cancer-predisposing syndrome. Also called: Neoplastic Syndromes, Hereditary; Tumor predisposition; Hereditary neoplastic syndrome; Hereditary Cancer Syndrome. Identifiers: Orphanet 140162, MedGen C0027672, MeSH D009386, MONDO:0015356.
Breast-ovarian cancer, familial, susceptibility to, 1 (BROVCA1). Also called: OVARIAN CANCER, SUSCEPTIBILITY TO; BRCA1 Hereditary Breast and Ovarian Cancer. Identifiers: Orphanet 145, MedGen C2676676, MONDO:0011450, OMIM 604370. Disease mechanism: loss of function.

Submissions (2):

Department of Clinical Genetics, Copenhagen University Hospital, Rigshospitalet
Classification: Pathogenic for Breast-ovarian cancer, familial, susceptibility to, 1. Last evaluated: 2024-05-27. Review status: criteria provided, single submitter. Criteria: ACMG Guidelines, 2015. Collection method: clinical testing. Allele origin: germline. Affected: yes.
Comment: PVS1; PM2_supporting; PM5_PTC_Strong

Ambry Genetics
Classification: Pathogenic for Hereditary cancer-predisposing syndrome. Last evaluated: 2019-12-19. Review status: criteria provided, single submitter. Criteria: Ambry Variant Classification Scheme 2023. Collection method: clinical testing. Allele origin: germline.
Comment: The p.E1282* pathogenic mutation (also known as c.3844G>T), located in coding exon 9 of the BRCA1 gene, results from a G to T substitution at nucleotide position 3844. This changes the amino acid from a glutamic acid to a stop codon within coding exon 9. This alteration is expected to result in loss of function by premature protein truncation or nonsense-mediated mRNA decay. As such, this alteration is interpreted as a disease-causing mutation.